The following is an entry in ClinVar:

NM_003743.5(NCOA1):c.2042G>T (p.Ser681Ile)

Gene: NCOA1 (nuclear receptor coactivator 1; plus strand). Cytogenetic location: 2p23.3.
Variant type: single nucleotide variant.
Coding change: c.2042G>T on transcript NM_003743.5 (MANE Select); coding-DNA position 2042, G replaced by T.
Protein change: p.Ser681Ile; replaces serine 681 with isoleucine.
Molecular consequence: missense variant.
Genome position (GRCh38, 1-based): chr2:24,707,512, G>T. VCF-style: chr2-24707512-G-T. GRCh37 (hg19) VCF-style: chr2-24930381-G-T.
Other names: c.2042G>T, p.Ser681Ile (NM_001362950.1, NM_001362952.1, NM_001362954.1 and 3 more transcripts); short protein forms S681I.
Identifiers: ClinVar variation 4999199 (VCV004999199.1).

ClinVar aggregate classification (germline): Uncertain significance (1 of 4 stars; one submission).

Conditions:
NCOA1-related disorder. Also called: NCOA1-related condition.

Submission:

PreventionGenetics, part of Exact Sciences
Classification: Uncertain significance for NCOA1-related condition. Last evaluated: 2025-06-13. Review status: criteria provided, single submitter. Criteria: ACMG Guidelines, 2015. Collection method: clinical testing. Allele origin: germline.
Comment: The NCOA1 c.2042G>T variant is predicted to result in the amino acid substitution p.Ser681Ile. To our knowledge, this variant has not been reported in the literature or in a large population database (gnomAD), indicating this variant is rare. At this time, the clinical significance of this variant is uncertain due to the absence of conclusive functional and genetic evidence.